The following is an entry in ClinVar:

ClinVar aggregate classification (germline): Uncertain significance (1 of 4 stars; one submission).

Conditions:
Hereditary cancer-predisposing syndrome. Also called: Hereditary neoplastic syndrome; Neoplastic Syndromes, Hereditary; Tumor predisposition; Hereditary Cancer Syndrome. Identifiers: Orphanet 140162, MedGen C0027672, MeSH D009386, MONDO:0015356.

Submission:

Ambry Genetics
Classification: Uncertain significance for Hereditary cancer-predisposing syndrome. Last evaluated: 2025-01-06. Review status: criteria provided, single submitter. Criteria: Ambry Variant Classification Scheme 2023. Collection method: clinical testing. Allele origin: germline.
Comment: The p.E922D variant (also known as c.2766G>T), located in coding exon 23 of the EGFR gene, results from a G to T substitution at nucleotide position 2766. The glutamic acid at codon 922 is replaced by aspartic acid, an amino acid with highly similar properties. This amino acid position is not well conserved in available vertebrate species. In addition, this alteration is predicted to be tolerated by in silico analysis. Based on the available evidence, the clinical significance of this variant remains unclear.

NM_005228.5(EGFR):c.2766G>T (p.Glu922Asp)

Gene: EGFR (epidermal growth factor receptor; plus strand). Cytogenetic location: 7p11.2.
Variant type: single nucleotide variant.
Coding change: c.2766G>T on transcript NM_005228.5 (MANE Select); coding-DNA position 2766, G replaced by T.
Protein change: p.Glu922Asp; replaces glutamic acid 922 with aspartic acid.
Molecular consequence: missense variant.
Genome position (GRCh38, 1-based): chr7:55,198,781, G>T. VCF-style: chr7-55198781-G-T. GRCh37 (hg19) VCF-style: chr7-55266474-G-T.
Other names: c.2631G>T, p.Glu877Asp (NM_001346897.2, NM_001346899.2); c.2766G>T, p.Glu922Asp (NM_001346898.2); c.2607G>T, p.Glu869Asp (NM_001346900.2); c.1965G>T, p.Glu655Asp (NM_001346941.2); short protein forms E869D, E655D, E922D, E877D.
Identifiers: ClinVar variation 3843763 (VCV003843763.1).
Genomic context (GRCh38, chr7:55,198,781, plus strand): 5'-GACTGTTTGGGAGTTGATGACCTTTGGATCCAAGCCATATGACGGAATCCCTGCCAGCGA[G>T]ATCTCCTCCATCCTGGAGAAAGGAGAACGCCTCCCTCAGCCACCCATATGTACCATCGAT-3'
Protein context (NP_005219.2, residues 912-932): SKPYDGIPAS[Glu922Asp]ISSILEKGER